The following continues an entry in ClinVar:

NM_007194.4(CHEK2):c.953G>A (p.Arg318His)

Gene: CHEK2. ClinVar aggregate classification (germline): Conflicting classifications of pathogenicity. Uncertain significance (17); Likely benign (1).

Submissions 11 to 20 of 20:

Blueprint Genetics
Classification: Uncertain significance. Last evaluated: 2023-03-30. Review status: criteria provided, single submitter. Criteria: ACMG Guidelines, 2015. Collection method: clinical testing. Allele origin: germline.

CHEO Genetics Diagnostic Laboratory, Children's Hospital of Eastern Ontario
Classification: Uncertain significance for Breast and/or ovarian cancer. Last evaluated: 2022-05-30. Review status: criteria provided, single submitter. Criteria: ACMG Guidelines, 2015. Collection method: clinical testing. Allele origin: germline.

Sema4
Classification: Uncertain significance for Hereditary cancer-predisposing syndrome. Last evaluated: 2021-12-08. Review status: criteria provided, single submitter. Criteria: Sema4 Curation Guidelines. Collection method: curation. Allele origin: germline.
Comment: The CHEK2 c.953G>A (p.R318H) variant has been reported in two individuals with breast cancer and in one with prostate cancer (PMID: 28580595, 26845104,12533788). It has been reported in a large case-control study of breast cancer in 13/60466 cases and 5/53461 controls (PMID: 33471991). It is also known as c.1082G>A in the literature. Functional study has shown that this variant has intermediate DNA damage response in vivo (PMID: 22419737). It was observed in 4/35440 chromosomes of the Latino subpopulation, in the large and broad cohorts of the Genome Aggregation Database (PMID: 32461654). The variant has been reported in ClinVar (Variation ID 133890). Functional studies have not been performed, and in silico predictions of the variant's effect on protein function are inconclusive. The evidence is insufficient to meet ACMG/AMP criteria for classifying the variant as benign or pathogenic. Thus, the clinical significance of this variant is currently uncertain.

Fulgent Genetics
Classification: Uncertain significance for Familial cancer of breast; Colorectal cancer; Familial prostate cancer; Bone osteosarcoma; CHEK2-related cancer predisposition. Last evaluated: 2021-07-14. Review status: criteria provided, single submitter. Criteria: ACMG Guidelines, 2015. Collection method: clinical testing. Allele origin: unknown.

Department of Pathology and Laboratory Medicine, Sinai Health System
Classification: Uncertain significance for CHEK2-related cancer predisposition. Last evaluated: 2021-05-19. Review status: criteria provided, single submitter. Criteria: ACMG Guidelines, 2015. Collection method: clinical testing. Allele origin: germline. Affected: yes.

Women's Health and Genetics/Laboratory Corporation of America, LabCorp
Classification: Uncertain significance. Last evaluated: 2020-08-07. Review status: criteria provided, single submitter. Criteria: LabCorp Variant Classification Summary - May 2015. Collection method: clinical testing. Allele origin: germline.
Comment: Variant summary: CHEK2 c.953G>A (p.Arg318His) results in a non-conservative amino acid change located in the Protein kinase domain (IPR000719) of the encoded protein sequence. Three of five in-silico tools predict a benign effect of the variant on protein function. The variant allele was found at a frequency of 5.5e-05 in 256088 control chromosomes (gnomAD and publications). This frequency is not significantly higher than expected for a pathogenic variant in CHEK2 causing Hereditary Breast and Ovarian Cancer Syndrome (5.5e-05 vs 0.00031), allowing no conclusion about variant significance. The variant has been reported in the literature in association with familial breast cancer and prostate cancer (Roeb_2012, Dong_2003, Haiman_2013, Shirts_2016, Xie_2018) and an in vitro functional assay demonstrated an intermediate level of DNA damage repair in yeast cells (Roeb_2012). These reports do not provide unequivocal conclusions about association of the variant with Hereditary Breast and Ovarian Cancer. Six other ClinVar submitters (evaluation after 2014) cite the variant as uncertain significance. Based on the evidence outlined above, the variant was classified as uncertain significance.

Division of Medical Genetics, University of Washington
Classification: Uncertain significance for Familial cancer of breast. Last evaluated: 2019-05-06. Review status: criteria provided, single submitter. Criteria: ACMG Guidelines, 2015. Collection method: clinical testing. Allele origin: germline. Affected: no. Study: CSER_CHARM.
Comment: The c.953G>A variant has been reported in individuals with familial breast cancer (Roeb 2012, Shirts 2016). The c.953G>A variant has an overall allele frequency of 0.00004 in the Broad Institute ExAC Browser. In silico analyses indicate this is an evolutionarily conserved residue. Thus, it is unknown at this time whether this variant increases cancer risk.

Mendelics
Classification: Uncertain significance for Familial cancer of breast. Last evaluated: 2018-07-02. Review status: criteria provided, single submitter. Criteria: Mendelics Assertion Criteria 2017. Collection method: clinical testing. Allele origin: unknown.

PreventionGenetics, part of Exact Sciences
Classification: Uncertain significance for CHEK2-related condition. Last evaluated: 2024-01-30. Review status: no assertion criteria provided. Collection method: clinical testing. Allele origin: germline. Not counted in ClinVar's aggregate classification.
Comment: The CHEK2 c.953G>A variant is predicted to result in the amino acid substitution p.Arg318His. This variant has been reported in multiple individuals with breast cancer (Shirts et al. 2016. PubMed ID: 26845104; Xie et al. 2018. PubMed ID: 28580595; Guindalini et al. 2022. PubMed ID: 35264596; Abdel-Razeq et al. 2022. PubMed ID: 35402282) and at least one individual with colorectal cancer (Akcay et al. 2021. PubMed ID: 32658311); however, this variant has also been observed in multiple healthy control individuals with no reported cancer history (see for example, Girard et al. 2019. PubMed ID: 30303537; Breast Cancer Consortium et al. 2021. PubMed ID: 33471991). A yeast-based DNA-damage repair assay was inconclusive with the p.Arg318His allele retaining 47% residual activity relative to wild type (Table 1, Roeb et al. 2012. PubMed ID: 22419737). This variant is reported in 0.011% of alleles in individuals of Latino descent in gnomAD and is listed in ClinVar as a variant of uncertain significance. At this time, the clinical significance of this variant is uncertain due to the absence of conclusive functional and genetic evidence.

ITMI
No classification provided. Condition: AllHighlyPenetrant. Last evaluated: 2013-09-19. Review status: no classification provided. Collection method: reference population. Allele origin: germline. Not counted in ClinVar's aggregate classification.
Comment: Please see associated publication for description of ethnicities

Literature cited by the submitters: PubMed 22419737 (cited by 7 submitters); PubMed 26845104 (cited by 6 submitters); PubMed 28580595 (cited by 5 submitters); PubMed 34933735 (cited by Labcorp Genetics (formerly Invitae), Labcorp and Quest Diagnostics Nichols Institute San Juan Capistrano); PubMed 35264596 (cited by 4 submitters); PubMed 37449874 (cited by Hema, HEMA – Genetic and Molecular Diagnostic Laboratory and Color Diagnostics, LLC DBA Color Health); PubMed 33471991 (cited by 4 submitters); PubMed 12533788 (cited by 5 submitters); PubMed 24728327 (cited by 5 submitters); PubMed 30303537 (cited by 4 submitters); PubMed 32658311 (cited by Ambry Genetics); PubMed 35402282 (cited by Ambry Genetics and Color Diagnostics, LLC DBA Color Health); PubMed 25085752 (cited by Myriad Genetics, Inc.); PubMed 23555315 (cited by Women's Health and Genetics/Laboratory Corporation of America, LabCorp).